The following is an entry in ClinVar:

NM_138694.4(PKHD1):c.6839G>A (p.Trp2280Ter)

Gene: PKHD1 (PKHD1 ciliary IPT domain containing fibrocystin/polyductin; minus strand). Cytogenetic location: 6p12.2.
Variant type: single nucleotide variant.
Coding change: c.6839G>A on transcript NM_138694.4 (MANE Select); coding-DNA position 6839, G replaced by A.
Protein change: p.Trp2280Ter; replaces tryptophan 2280 with a stop codon.
Molecular consequence: nonsense.
Genome position (GRCh38, 1-based): chr6:51,904,012, C>T on the plus strand (G>A on the coding strand, the complement: PKHD1 is on the minus strand). VCF-style: chr6-51904012-C-T. GRCh37 (hg19) VCF-style: chr6-51768810-C-T.
Other names: c.6839G>A, p.Trp2280Ter (NM_170724.3); c.6839G>A (NM_138694.3); short protein forms W2280*.
Identifiers: ClinVar variation 1363680 (VCV001363680.9), dbSNP rs758404336, ClinGen allele CA3852154.

ClinVar aggregate classification (germline): Pathogenic/Likely pathogenic. Review status: criteria provided, multiple submitters, no conflicts (2 of 4 stars). 2 submissions from 2 submitters: Pathogenic (1); Likely pathogenic (1). Last evaluated 2025-01-06.

Conditions:
Autosomal recessive polycystic kidney disease (ARPKD). Also called: AR polycystic kidney disease. Identifiers: Orphanet 731, Orphanet 8378, MedGen C0085548, MeSH D017044, MONDO:0009889.

Allele frequency attached by ClinVar (database versions not stated): gnomAD exomes below 0.00001; ExAC 0.00001.
gnomAD v4.1: 2 of 1,594,824 alleles (0.00013%); highest among the groups gnomAD compares: Non-Finnish European, 0.00017%; no homozygotes.

Submissions (2):

Natera, Inc.
Classification: Likely pathogenic for Autosomal recessive polycystic kidney disease. Last evaluated: 2025-01-06. Review status: criteria provided, single submitter. Criteria: Natera Variant Classification Schema (03/2026). Collection method: clinical testing. Allele origin: germline.
Comment: The c.6839G>A variant in PKHD1 is a nonsense variant predicted to introduce a stop codon at amino acid 2280. This variant is expected to result in nonsense mediated decay, truncation, or a dysfunctional protein product. This variant is rare in the general population with a frequency below the threshold expected for the associated phenotype(s). Given the available evidence, this variant is classified as Likely Pathogenic.

Labcorp Genetics (formerly Invitae), Labcorp
Classification: Pathogenic for Autosomal recessive polycystic kidney disease. Last evaluated: 2022-07-22. Review status: criteria provided, single submitter. Criteria: Invitae Variant Classification Sherloc (09022015). Collection method: clinical testing. Allele origin: germline.
Comment: ClinVar contains an entry for this variant (Variation ID: 1363680). This premature translational stop signal has been observed in individual(s) with PKHD1-related conditions (PMID: 30650191, 31938409). This variant is present in population databases (rs758404336, gnomAD 0.0009%). This sequence change creates a premature translational stop signal (p.Trp2280*) in the PKHD1 gene. It is expected to result in an absent or disrupted protein product. Loss-of-function variants in PKHD1 are known to be pathogenic (PMID: 19940839). Algorithms developed to predict the effect of sequence changes on RNA splicing suggest that this variant may create or strengthen a splice site. For these reasons, this variant has been classified as Pathogenic.

Literature cited by the submitters: PubMed 30650191 (cited by Labcorp Genetics (formerly Invitae), Labcorp); PubMed 31938409 (cited by Labcorp Genetics (formerly Invitae), Labcorp); PubMed 19940839 (cited by Labcorp Genetics (formerly Invitae), Labcorp).